The following is an entry in ClinVar:

NM_144596.4(TTC8):c.962A>G (p.Gln321Arg)

Gene: TTC8 (tetratricopeptide repeat domain 8; plus strand). Cytogenetic location: 14q31.3.
Variant type: single nucleotide variant.
Coding change: c.962A>G on transcript NM_144596.4 (MANE Select); coding-DNA position 962, A replaced by G.
Protein change: p.Gln321Arg; replaces glutamine 321 with arginine.
Molecular consequence: missense variant. On other transcripts: non-coding transcript variant (1).
Genome position (GRCh38, 1-based): chr14:88,870,111, A>G. VCF-style: chr14-88870111-A-G. GRCh37 (hg19) VCF-style: chr14-89336455-A-G.
Other names: c.1010A>G, p.Gln337Arg (NM_001288781.1); c.368A>G, p.Gln123Arg (NM_001288782.1); c.245A>G, p.Gln82Arg (NM_001288783.1); c.932A>G, p.Gln311Arg (NM_001366535.2, NM_198309.3); c.842A>G, p.Gln281Arg (NM_001366536.2, NM_198310.3); short protein forms Q123R, Q281R, Q311R, Q321R, Q337R, Q82R.
Identifiers: ClinVar variation 3043679 (VCV003043679.2), dbSNP rs2546231141, ClinGen allele CA390549540.

ClinVar aggregate classification (germline): Uncertain significance (0 of 4 stars; one submission).

Conditions:
TTC8-related disorder. Also called: TTC8-related condition.

Allele frequency attached by ClinVar (database versions not stated): gnomAD exomes 0.00002.
gnomAD v4.1: 37 of 1,614,090 alleles (0.0023%); highest among the groups gnomAD compares: Non-Finnish European, 0.003%; no homozygotes.

Submission:

PreventionGenetics, part of Exact Sciences
Classification: Uncertain significance for TTC8-related condition. Last evaluated: 2023-12-19. Review status: no assertion criteria provided. Collection method: clinical testing. Allele origin: germline.
Comment: The TTC8 c.962A>G variant is predicted to result in the amino acid substitution p.Gln321Arg. To our knowledge, this variant has not been reported in the literature or in a large population database, indicating this variant is rare. At this time, the clinical significance of this variant is uncertain due to the absence of conclusive functional and genetic evidence.